The following is an entry in ClinVar:

ClinVar aggregate classification (germline): Uncertain significance (1 of 4 stars; one submission).

Conditions:
TUBB1-related disorder. Also called: TUBB1-related condition.

Submission:

PreventionGenetics, part of Exact Sciences
Classification: Uncertain significance for TUBB1-related condition. Last evaluated: 2024-12-31. Review status: criteria provided, single submitter. Criteria: ACMG Guidelines, 2015. Collection method: clinical testing. Allele origin: germline.
Comment: The TUBB1 c.532delA variant is predicted to result in a frameshift and premature protein termination (p.Thr178Leufs*15). To our knowledge, this variant has not been reported in the literature or in a large population database (gnomAD), indicating this variant is rare. At this time, the clinical significance of this variant is uncertain due to the absence of conclusive functional and genetic evidence.

NM_030773.4(TUBB1):c.532del (p.Thr178fs)

Gene: TUBB1 (tubulin beta 1 class VI; plus strand). Cytogenetic location: 20q13.32.
Variant type: Deletion.
Coding change: c.532del on transcript NM_030773.4 (MANE Select); coding-DNA position 532, one base deleted (A; older notation c.532delA).
Protein change: p.Thr178fs; shifts the reading frame from threonine 178.
Molecular consequence: frameshift variant.
Genome position (GRCh38, 1-based): chr20:59,023,959, A deleted. VCF-style (leftmost placement, unchanged base first): chr20-59023958-CA-C. GRCh37 (hg19) VCF-style: chr20-57599013-CA-C.
Other names: short protein forms T178fs.
Identifiers: ClinVar variation 4997288 (VCV004997288.1).